The following is an entry in ClinVar:

NM_001005242.3(PKP2):c.1509T>C (p.Asn503=)

Gene: PKP2 (plakophilin 2; minus strand). Cytogenetic location: 12p11.21.
Variant type: single nucleotide variant.
Coding change: c.1509T>C on transcript NM_001005242.3 (MANE Select); coding-DNA position 1509, T replaced by C.
Protein change: p.Asn503=; no amino-acid change (asparagine 503 retained).
Molecular consequence: synonymous variant.
Genome position (GRCh38, 1-based): chr12:32,841,075, A>G on the plus strand (T>C on the coding strand, the complement: PKP2 is on the minus strand). VCF-style: chr12-32841075-A-G. GRCh37 (hg19) VCF-style: chr12-32994009-A-G.
Other names: p.N547N:AAT>AAC; c.1641T>C, p.Asn547= (NM_004572.4).
Identifiers: ClinVar variation 138694 (VCV000138694.43), dbSNP rs143782040, ClinGen allele CA011260.

ClinVar aggregate classification (germline): Benign/Likely benign. Review status: criteria provided, multiple submitters, no conflicts (2 of 4 stars). 10 submissions from 10 submitters: Benign (5); Likely benign (5). Last evaluated 2026-02-03.

Conditions:
Cardiovascular phenotype. Identifiers: MedGen CN230736.
Arrhythmogenic right ventricular cardiomyopathy (ARVD). Also called: Arrhythmogenic Right Ventricular Cardiomyopathy (ARVC); Cardiomyopathy, ARVC; Arrhythmogenic cardiomyopathy; Arrhythmogenic right ventricular dysplasia. Identifiers: Orphanet 247, MedGen C0349788, MeSH D019571, MONDO:0016587. Disease mechanism: loss of function. Inheritance: Various modes of inheritance.
Cardiomyopathy (CMYO). Also called: Cardiomyopathies. Identifiers: Orphanet 167848, MedGen C0878544, MONDO:0004994, HP:0001638. Inheritance: Various modes of inheritance.
Arrhythmogenic right ventricular dysplasia 9 (ARVD9). Also called: Arrhythmogenic Right Ventricular Dysplasia/Cardiomyopathy 9; ARRHYTHMOGENIC RIGHT VENTRICULAR DYSPLASIA, FAMILIAL, 9. Identifiers: MedGen C1836906, MONDO:0012180, OMIM 609040.

Allele frequency attached by ClinVar (database versions not stated): gnomAD 0.00013 and 0.00019; gnomAD exomes 0.00015 and 0.00053; TOPMed 0.00035; ExAC 0.00044; 1000 Genomes Project 0.00120; 1000 Genomes Project 30x 0.00125.
gnomAD v4.1: 244 of 1,613,836 alleles (0.015%); highest among the groups gnomAD compares: East Asian, 0.51%; no homozygotes.

Submissions (10):

Labcorp Genetics (formerly Invitae), Labcorp
Classification: Benign for Arrhythmogenic right ventricular dysplasia 9. Last evaluated: 2026-02-03. Review status: criteria provided, single submitter. Criteria: Invitae Variant Classification Sherloc (09022015). Collection method: clinical testing. Allele origin: germline.

Women's Health and Genetics/Laboratory Corporation of America, LabCorp
Classification: Likely benign. Last evaluated: 2025-09-30. Review status: criteria provided, single submitter. Criteria: LabCorp Variant Classification Summary - May 2015. Collection method: clinical testing. Allele origin: germline.

CeGaT Center for Human Genetics Tuebingen
Classification: Likely benign. Last evaluated: 2025-08-01. Review status: criteria provided, single submitter. Criteria: CeGaT Center For Human Genetics Tuebingen Variant Classification Criteria Version 2. Collection method: clinical testing. Allele origin: germline. Affected: yes. Observed: 2 variant alleles.
Comment: PKP2: BP4, BP7

All of Us Research Program, National Institutes of Health
Classification: Benign for Arrhythmogenic right ventricular cardiomyopathy. Last evaluated: 2024-02-05. Review status: criteria provided, single submitter. Criteria: ACMG Guidelines, 2015. Collection method: clinical testing. Allele origin: germline. Inheritance: Autosomal dominant inheritance. Observed: 55 variant alleles, 55 heterozygotes.
Comment: This study involves interpretation of variants in research participants for the purpose of population health screening. Participant phenotype was not available at the time of variant classification. Additional details can be found in publication PMID: 35346344, PMCID: PMC8962531

Blueprint Genetics
Classification: Likely benign. Last evaluated: 2023-11-15. Review status: criteria provided, single submitter. Criteria: ACMG Guidelines, 2015. Collection method: clinical testing. Allele origin: germline.

Color Diagnostics, LLC DBA Color Health
Classification: Benign for Cardiomyopathy. Last evaluated: 2018-07-09. Review status: criteria provided, single submitter. Criteria: ACMG Guidelines, 2015. Collection method: clinical testing. Allele origin: germline.

Illumina Laboratory Services, Illumina
Classification: Likely benign for Arrhythmogenic right ventricular dysplasia 9. Last evaluated: 2018-02-27. Review status: criteria provided, single submitter. Criteria: ICSL Variant Classification Criteria 13 December 2019. Collection method: clinical testing. Allele origin: germline.
Comment: This variant was observed as part of a predisposition screen in an ostensibly healthy population. A literature search was performed for the gene, cDNA change, and amino acid change (where applicable). Publications were found based on this search. The evidence from the literature, in combination with allele frequency data from public databases where available, was sufficient to determine this variant is unlikely to cause disease. Therefore, this variant is classified as likely benign.

Ambry Genetics
Classification: Likely benign for Cardiovascular phenotype. Last evaluated: 2016-04-25. Review status: criteria provided, single submitter. Criteria: Ambry Variant Classification Scheme 2023. Collection method: clinical testing. Allele origin: germline.

Laboratory for Molecular Medicine, Mass General Brigham Personalized Medicine
Classification: Benign. Last evaluated: 2014-10-02. Review status: criteria provided, single submitter. Criteria: LMM Criteria. Collection method: clinical testing. Allele origin: germline. Observed: 1 variant allele.
Comment: p.Asn547Asn in exon 7 of PKP2: This variant is not expected to have clinical sig nificance because it has been identified in 1.0% (6/572) of East Asian chromosom es by the 1000 Genomes Project (dbSNP rs143782040).

GeneDx
Classification: Benign. Last evaluated: 2014-04-27. Review status: criteria provided, single submitter. Criteria: GeneDx Variant Classification (06012015). Collection method: clinical testing. Allele origin: germline. Affected: yes.
Comment: This variant is considered likely benign or benign based on one or more of the following criteria: it is a conservative change, it occurs at a poorly conserved position in the protein, it is predicted to be benign by multiple in silico algorithms, and/or has population frequency not consistent with disease.

Literature cited by the submitters: PubMed 27122407 (cited by Illumina Laboratory Services, Illumina).